The following is an entry in ClinVar:

NM_002203.4(ITGA2):c.1544T>A (p.Met515Lys)

Gene: ITGA2 (integrin subunit alpha 2; plus strand). Cytogenetic location: 5q11.2.
Variant type: single nucleotide variant.
Coding change: c.1544T>A on transcript NM_002203.4 (MANE Select); coding-DNA position 1544, T replaced by A.
Protein change: p.Met515Lys; replaces methionine 515 with lysine.
Molecular consequence: missense variant. On other transcripts: non-coding transcript variant (5).
Genome position (GRCh38, 1-based): chr5:53,062,871, T>A. VCF-style: chr5-53062871-T-A. GRCh37 (hg19) VCF-style: chr5-52358701-T-A.
Other names: short protein forms M515K.
Identifiers: ClinVar variation 2635362 (VCV002635362.1), dbSNP rs1744961406, ClinGen allele CA359689052.

ClinVar aggregate classification (germline): Uncertain significance (1 of 4 stars; one submission).

Conditions:
ITGA2-related disorder. Also called: ITGA2-related condition.

Submission:

PreventionGenetics, part of Exact Sciences
Classification: Uncertain significance for ITGA2-related condition. Last evaluated: 2022-11-17. Review status: criteria provided, single submitter. Criteria: ACMG Guidelines, 2015. Collection method: clinical testing. Allele origin: germline.
Comment: The ITGA2 c.1544T>A variant is predicted to result in the amino acid substitution p.Met515Lys. To our knowledge, this variant has not been reported in the literature or in a large population database, indicating this variant is rare. At this time, the clinical significance of this variant is uncertain due to the absence of conclusive functional and genetic evidence.